The following is an entry in ClinVar:

ClinVar aggregate classification (germline): Benign/Likely benign. Review status: criteria provided, multiple submitters, no conflicts (2 of 4 stars). 8 submissions from 8 submitters: Benign (6); Likely benign (1). 1 of the submissions does not count toward it. Last evaluated 2026-02-03.

Conditions:
Inborn genetic diseases. Identifiers: MedGen C0950123, MeSH D030342.
Cortical dysplasia-focal epilepsy syndrome (PTHSL1). Also called: Pitt-Hopkins-like syndrome 1. Identifiers: Orphanet 163681, Orphanet 221150, MedGen C2750246, MONDO:0012400, OMIM 610042.

Allele frequency attached by ClinVar (database versions not stated): ExAC 0.00180; gnomAD 0.00510 and 0.00548; TOPMed 0.00556; ESP Exome Variant Server 0.00561; 1000 Genomes Project 30x 0.00656; 1000 Genomes Project 0.00659.

Submissions (8):

Labcorp Genetics (formerly Invitae), Labcorp
Classification: Benign for Cortical dysplasia-focal epilepsy syndrome. Last evaluated: 2026-02-03. Review status: criteria provided, single submitter. Criteria: Invitae Variant Classification Sherloc (09022015). Collection method: clinical testing. Allele origin: germline.

Mayo Clinic Laboratories, Mayo Clinic
Classification: Benign. Last evaluated: 2021-01-05. Review status: criteria provided, single submitter. Criteria: ACMG Guidelines, 2015. Collection method: clinical testing. Allele origin: germline. Observed: 3 variant alleles.

Athena Diagnostics
Classification: Likely benign. Last evaluated: 2017-05-05. Review status: criteria provided, single submitter. Criteria: Athena Diagnostics Criteria. Collection method: clinical testing. Allele origin: germline.

Illumina Laboratory Services, Illumina
Classification: Benign for Cortical dysplasia-focal epilepsy syndrome. Last evaluated: 2017-04-28. Review status: criteria provided, single submitter. Criteria: ICSL Variant Classification Criteria 13 December 2019. Collection method: clinical testing. Allele origin: germline.
Comment: This variant was observed as part of a predisposition screen in an ostensibly healthy population. A literature search was performed for the gene, cDNA change, and amino acid change (where applicable). No publications were found based on this search. Allele frequency data from public databases was too high to be consistent with this variant causing disease. Therefore, this variant is classified as benign.

Ambry Genetics
Classification: Benign for Inborn genetic diseases. Last evaluated: 2016-06-24. Review status: criteria provided, single submitter. Criteria: Ambry Variant Classification Scheme 2023. Collection method: clinical testing. Allele origin: germline.

GeneDx
Classification: Benign. Last evaluated: 2013-01-16. Review status: criteria provided, single submitter. Criteria: GeneDx Variant Classification (06012015). Collection method: clinical testing. Allele origin: germline. Affected: yes.
Comment: This variant is considered likely benign or benign based on one or more of the following criteria: it is a conservative change, it occurs at a poorly conserved position in the protein, it is predicted to be benign by multiple in silico algorithms, and/or has population frequency not consistent with disease.

PreventionGenetics, part of Exact Sciences
Classification: Benign. Review status: criteria provided, single submitter. Criteria: ACMG Guidelines, 2015. Collection method: clinical testing. Allele origin: germline.

Genetic Services Laboratory, University of Chicago
Classification: Likely benign for AllHighlyPenetrant. Review status: no assertion criteria provided. Collection method: clinical testing. Allele origin: germline. Inheritance: Autosomal recessive inheritance. Not counted in ClinVar's aggregate classification.
Comment: Likely benign based on allele frequency in 1000 Genomes Project or ESP global frequency and its presence in a patient with a rare or unrelated disease phenotype. NOT Sanger confirmed.

Literature cited by the submitters: PubMed 24807205 (cited by Athena Diagnostics); PubMed 25621974 (cited by Athena Diagnostics).

NM_014141.6(CNTNAP2):c.1247C>T (p.Ala416Val)

Gene: CNTNAP2 (contactin associated protein 2; plus strand). Cytogenetic location: 7q35.
Variant type: single nucleotide variant.
Coding change: c.1247C>T on transcript NM_014141.6 (MANE Select); coding-DNA position 1247, C replaced by T.
Protein change: p.Ala416Val; replaces alanine 416 with valine.
Molecular consequence: missense variant.
Genome position (GRCh38, 1-based): chr7:147,132,408, C>T. VCF-style: chr7-147132408-C-T. GRCh37 (hg19) VCF-style: chr7-146829500-C-T.
Other names: p.A416V:GCG>GTG; short protein forms A416V.
Identifiers: ClinVar variation 128798 (VCV000128798.26), dbSNP rs34456867, ClinGen allele CA288751.
Genomic context (GRCh38, chr7:147,132,408, plus strand): 5'-CAGTCAGTTTCCAGTTTAGGACATGGAACCCCAATGGTCTCCTGGTCTTCAGTCACTTTG[C>T]GGATAATTTGGGCAATGTGGAGATTGACCTCACTGAAAGCAAAGTGGGTGTTCACATCAA-3'
Protein context (NP_054860.1, residues 406-426): PNGLLVFSHF[Ala416Val]DNLGNVEIDL